The following is an entry in ClinVar:

ClinVar aggregate classification (germline): Likely benign (0 of 4 stars; one submission).

Conditions:
GRHL3-related disorder. Also called: GRHL3-related condition.

Submission:

PreventionGenetics, part of Exact Sciences
Classification: Likely benign for GRHL3-related condition. Last evaluated: 2023-06-22. Review status: no assertion criteria provided. Collection method: clinical testing. Allele origin: germline.
Comment: This variant is classified as likely benign based on ACMG/AMP sequence variant interpretation guidelines (Richards et al. 2015 PMID: 25741868, with internal and published modifications).

NM_198173.3(GRHL3):c.465G>T (p.Leu155=)

Gene: GRHL3 (grainyhead like transcription factor 3; plus strand). Cytogenetic location: 1p36.11.
Variant type: single nucleotide variant.
Coding change: c.465G>T on transcript NM_198173.3 (MANE Select); coding-DNA position 465, G replaced by T.
Protein change: p.Leu155=; no amino-acid change (leucine 155 retained).
Molecular consequence: synonymous variant.
Genome position (GRCh38, 1-based): chr1:24,336,680, G>T. VCF-style: chr1-24336680-G-T. GRCh37 (hg19) VCF-style: chr1-24663170-G-T.
Other names: c.327G>T, p.Leu109= (NM_001195010.2); c.480G>T, p.Leu160= (NM_021180.4); c.465G>T, p.Leu155= (NM_198174.3).
Identifiers: ClinVar variation 3044581 (VCV003044581.2), dbSNP rs2522609919, ClinGen allele CA416958236.